The following is an entry in ClinVar:

ClinVar aggregate classification (germline): Likely benign (1 of 4 stars; one submission).

gnomAD v4.1: 20 of 1,612,580 alleles (0.0012%); highest among the groups gnomAD compares: South Asian, 0.0099%; no homozygotes.

Submission:

CeGaT Center for Human Genetics Tuebingen
Classification: Likely benign. Last evaluated: 2026-01-01. Review status: criteria provided, single submitter. Criteria: CeGaT Center For Human Genetics Tuebingen Variant Classification Criteria Version 2. Collection method: clinical testing. Allele origin: germline. Affected: yes. Observed: 1 variant allele.
Comment: NLGN2: BP4, BP7

NM_020795.4(NLGN2):c.456C>T (p.Asp152=)

Gene: NLGN2 (neuroligin 2; plus strand). Cytogenetic location: 17p13.1.
Variant type: single nucleotide variant.
Coding change: c.456C>T on transcript NM_020795.4 (MANE Select); coding-DNA position 456, C replaced by T.
Protein change: p.Asp152=; no amino-acid change (aspartic acid 152 retained).
Molecular consequence: synonymous variant.
Genome position (GRCh38, 1-based): chr17:7,408,711, C>T. VCF-style: chr17-7408711-C-T. GRCh37 (hg19) VCF-style: chr17-7312030-C-T.
Identifiers: ClinVar variation 4822489 (VCV004822489.4).